The following is an entry in ClinVar:

NM_032119.4(ADGRV1):c.11473C>G (p.His3825Asp)

Gene: ADGRV1 (adhesion G protein-coupled receptor V1; plus strand). Cytogenetic location: 5q14.3.
Variant type: single nucleotide variant.
Coding change: c.11473C>G on transcript NM_032119.4 (MANE Select); coding-DNA position 11473, C replaced by G.
Protein change: p.His3825Asp; replaces histidine 3825 with aspartic acid.
Molecular consequence: missense variant. On other transcripts: non-coding transcript variant (1).
Genome position (GRCh38, 1-based): chr5:90,755,078, C>G. VCF-style: chr5-90755078-C-G. GRCh37 (hg19) VCF-style: chr5-90050895-C-G.
Other names: short protein forms H3825D.
Identifiers: ClinVar variation 1390530 (VCV001390530.6), dbSNP rs2149973670, ClinGen allele CA360366742.
Genomic context (GRCh38, chr5:90,755,078, plus strand): 5'-GATAAAGGACTACTTGGGGATATTGCCATTCACTTGAGAGCTCAACCCAATTTCTTACTG[C>G]ATGTCGATAATCAAGCTACTGAGAATGAAGATTATGTATTGCAAGAAACAATAATAATAA-3'
Protein context (NP_115495.3, residues 3815-3835): HLRAQPNFLL[His3825Asp]VDNQATENED

ClinVar aggregate classification (germline): Uncertain significance (1 of 4 stars; one submission).

Submission:

Labcorp Genetics (formerly Invitae), Labcorp
Classification: Uncertain significance. Last evaluated: 2021-11-01. Review status: criteria provided, single submitter. Criteria: Invitae Variant Classification Sherloc (09022015). Collection method: clinical testing. Allele origin: germline.
Comment: This sequence change replaces histidine, which is basic and polar, with aspartic acid, which is acidic and polar, at codon 3825 of the ADGRV1 protein (p.His3825Asp). This variant is not present in population databases (gnomAD no frequency). This variant has not been reported in the literature in individuals affected with ADGRV1-related conditions. Algorithms developed to predict the effect of missense changes on protein structure and function are either unavailable or do not agree on the potential impact of this missense change (SIFT: "Tolerated"; PolyPhen-2: "Possibly Damaging"; Align-GVGD: "Class C0"). In summary, the available evidence is currently insufficient to determine the role of this variant in disease. Therefore, it has been classified as a Variant of Uncertain Significance.